The following is an entry in ClinVar:

NM_004329.3(BMPR1A):c.1029C>A (p.Cys343Ter)

Gene: BMPR1A (bone morphogenetic protein receptor type 1A; plus strand). Cytogenetic location: 10q23.2.
Variant type: single nucleotide variant.
Coding change: c.1029C>A on transcript NM_004329.3 (MANE Select); coding-DNA position 1029, C replaced by A.
Protein change: p.Cys343Ter; replaces cysteine 343 with a stop codon.
Molecular consequence: nonsense. On other transcripts: non-coding transcript variant (3).
Genome position (GRCh38, 1-based): chr10:86,919,332, C>A. VCF-style: chr10-86919332-C-A. GRCh37 (hg19) VCF-style: chr10-88679089-C-A.
Other names: c.1104C>A, p.Cys368Ter (NM_001406559.1); c.1077C>A, p.Cys359Ter (NM_001406560.1); c.1029C>A, p.Cys343Ter (NM_001406561.1, NM_001406562.1, NM_001406563.1 and 19 more transcripts); c.945C>A, p.Cys315Ter (NM_001406585.1, NM_001406586.1, NM_001406587.1 and 2 more transcripts); c.687C>A, p.Cys229Ter (NM_001406589.1); c.1023C>A, p.Cys341Ter (NM_001406583.1); short protein forms C229*, C315*, C341*, C343*, C359*, C368*.
Identifiers: ClinVar variation 2584264 (VCV002584264.2), dbSNP rs2133591953, ClinGen allele CA377460630.

ClinVar aggregate classification (germline): Pathogenic (1 of 4 stars; one submission).

Conditions:
Juvenile polyposis syndrome (JPS). Identifiers: Orphanet 2929, MedGen C0345893, MONDO:0017380, OMIM 174900.

Submission:

Myriad Genetics, Inc.
Classification: Pathogenic for Juvenile polyposis syndrome. Last evaluated: 2023-05-26. Review status: criteria provided, single submitter. Criteria: Myriad Autosomal Dominant, Autosomal Recessive and X-Linked Classification Criteria (2023). Collection method: clinical testing. Allele origin: unknown.
Comment: This variant is considered pathogenic. This variant creates a termination codon and is predicted to result in premature protein truncation.